The following is an entry in ClinVar:

NM_033118.4(MYLK2):c.950A>G (p.Lys317Arg)

Gene: MYLK2 (myosin light chain kinase 2; plus strand). Cytogenetic location: 20q11.21.
Variant type: single nucleotide variant.
Coding change: c.950A>G on transcript NM_033118.4 (MANE Select); coding-DNA position 950, A replaced by G.
Protein change: p.Lys317Arg; replaces lysine 317 with arginine.
Molecular consequence: missense variant.
Genome position (GRCh38, 1-based): chr20:31,824,330, A>G. VCF-style: chr20-31824330-A-G. GRCh37 (hg19) VCF-style: chr20-30412133-A-G.
Other names: short protein forms K317R.
Identifiers: ClinVar variation 1767201 (VCV001767201.2), dbSNP rs2515455154, ClinGen allele CA408526745.

ClinVar aggregate classification (germline): Uncertain significance (1 of 4 stars; one submission).

Submission:

Ambry Genetics
Classification: Uncertain significance. Last evaluated: 2021-12-13. Review status: criteria provided, single submitter. Criteria: Ambry Variant Classification Scheme 2023. Collection method: clinical testing. Allele origin: germline.
Comment: The p.K317R variant (also known as c.950A>G), located in coding exon 5 of the MYLK2 gene, results from an A to G substitution at nucleotide position 950. The lysine at codon 317 is replaced by arginine, an amino acid with highly similar properties. This amino acid position is conserved. In addition, this alteration is predicted to be tolerated by in silico analysis. Since supporting evidence is limited at this time, the clinical significance of this alteration remains unclear.